The following is an entry in ClinVar:

NM_000329.3(RPE65):c.1338+20A>C

Gene: RPE65 (retinoid isomerohydrolase RPE65; minus strand). Cytogenetic location: 1p31.3.
Variant type: single nucleotide variant.
Coding change: c.1338+20A>C on transcript NM_000329.3 (MANE Select); 20 bases into the intron after coding-DNA position 1338, A replaced by C.
Molecular consequence: intron variant.
Genome position (GRCh38, 1-based): chr1:68,431,262, T>G on the plus strand (A>C on the coding strand, the complement: RPE65 is on the minus strand). VCF-style: chr1-68431262-T-G. GRCh37 (hg19) VCF-style: chr1-68896945-T-G.
Identifiers: ClinVar variation 98841 (VCV000098841.15), dbSNP rs12564647, ClinGen allele CA285813.
Genomic context (GRCh38, chr1:68,431,262, plus strand): 5'-CAAGCAATCAGTCAATATGCTTTACTTGACTAGCATATACTCAAAGCACTGTTCAAATAT[T>G]AGTAAGAAGGATTAATTACCCTATCTGGAACAAAGTGATTCAAGCCAAGTCCATACGCAT-3'

ClinVar aggregate classification (germline): Benign. Review status: criteria provided, multiple submitters, no conflicts (2 of 4 stars). 8 submissions from 7 submitters: Benign (6). 2 of the submissions do not count toward it. Last evaluated 2026-02-04.

Conditions:
Retinitis pigmentosa 87 with choroidal involvement. Identifiers: MedGen C5231465, MONDO:0032873, OMIM 618697.
Leber congenital amaurosis 2 (LCA2). Also called: Autosomal Recessive RPE65-Related Retinal Degeneration; AMAUROSIS CONGENITA OF LEBER II. Identifiers: Orphanet 65, MedGen C1859844, MONDO:0008765, OMIM 204100. Disease mechanism: loss of function.
Retinitis pigmentosa 20 (RP20). Identifiers: Orphanet 791, MedGen C3151086, MONDO:0013425, OMIM 613794.

Allele frequency attached by ClinVar (database versions not stated): ESP Exome Variant Server 0.01399; gnomAD 0.03055 and 0.03700; gnomAD exomes 0.03597 and 0.06646; TOPMed 0.03632; ExAC 0.06372; 1000 Genomes Project 30x 0.10415; 1000 Genomes Project 0.10982.
gnomAD v4.1: 58,606 of 1,611,388 alleles (3.6%); highest among the groups gnomAD compares: East Asian, 37%; 4,456 homozygotes.

Submissions (8):

Labcorp Genetics (formerly Invitae), Labcorp
Classification: Benign for Leber congenital amaurosis 2; Retinitis pigmentosa 20. Last evaluated: 2026-02-04. Review status: criteria provided, single submitter. Criteria: Invitae Variant Classification Sherloc (09022015). Collection method: clinical testing. Allele origin: germline.

Genome-Nilou Lab
Classification: Benign for Leber congenital amaurosis 2. Last evaluated: 2021-07-01. Review status: criteria provided, single submitter. Criteria: ACMG Guidelines, 2015. Collection method: clinical testing. Allele origin: germline. Affected: no.

Genome-Nilou Lab
Classification: Benign for Retinitis pigmentosa 87 with choroidal involvement. Last evaluated: 2021-07-01. Review status: criteria provided, single submitter. Criteria: ACMG Guidelines, 2015. Collection method: clinical testing. Allele origin: germline. Affected: no.

GeneDx
Classification: Benign. Last evaluated: 2011-09-01. Review status: criteria provided, single submitter. Criteria: GeneDx Variant Classification (06012015). Collection method: clinical testing. Allele origin: germline. Affected: yes.
Comment: This variant is considered likely benign or benign based on one or more of the following criteria: it is a conservative change, it occurs at a poorly conserved position in the protein, it is predicted to be benign by multiple in silico algorithms, and/or has population frequency not consistent with disease.

Breakthrough Genomics
Classification: Benign. Review status: criteria provided, single submitter. Criteria: ACMG Guidelines, 2015. Collection method: not provided. Allele origin: germline. Inheritance: Autosomal recessive inheritance. Affected: yes.

PreventionGenetics, part of Exact Sciences
Classification: Benign. Review status: criteria provided, single submitter. Criteria: ACMG Guidelines, 2015. Collection method: clinical testing. Allele origin: germline.

Counsyl
Classification: Benign for Leber congenital amaurosis 2; Retinitis pigmentosa 20. Last evaluated: 2017-03-06. Review status: no assertion criteria provided. Collection method: clinical testing. Allele origin: unknown. Not counted in ClinVar's aggregate classification.

Retina International
No classification provided. Review status: no classification provided. Collection method: not provided. Allele origin: not provided. Not counted in ClinVar's aggregate classification.